The following is an entry in ClinVar:

NM_001003800.2(BICD2):c.240+102C>T

Gene: BICD2 (BICD cargo adaptor 2; minus strand). Cytogenetic location: 9q22.31.
Variant type: single nucleotide variant.
Coding change: c.240+102C>T on transcript NM_001003800.2 (MANE Select); 102 bases into the intron after coding-DNA position 240, C replaced by T.
Molecular consequence: intron variant.
Genome position (GRCh38, 1-based): chr9:92,764,403, G>A on the plus strand (C>T on the coding strand, the complement: BICD2 is on the minus strand). VCF-style: chr9-92764403-G-A. GRCh37 (hg19) VCF-style: chr9-95526685-G-A.
Other names: c.240+102C>T (NM_015250.4).
Identifiers: ClinVar variation 680040 (VCV000680040.2), dbSNP rs116966595, ClinGen allele CA12992864.

ClinVar aggregate classification (germline): Benign. Review status: criteria provided, multiple submitters, no conflicts (2 of 4 stars). 2 submissions from 2 submitters: Benign (2). Last evaluated 2018-06-14.

Allele frequency attached by ClinVar (database versions not stated): 1000 Genomes Project 0.03654; 1000 Genomes Project 30x 0.03654; TOPMed 0.06965; gnomAD 0.07699 and 0.07899; gnomAD exomes 0.10581.

Submissions (2):

GeneDx
Classification: Benign. Last evaluated: 2018-06-14. Review status: criteria provided, single submitter. Criteria: GeneDx Variant Classification (06012015). Collection method: clinical testing. Allele origin: germline. Affected: yes.
Comment: This variant is considered likely benign or benign based on one or more of the following criteria: it is a conservative change, it occurs at a poorly conserved position in the protein, it is predicted to be benign by multiple in silico algorithms, and/or has population frequency not consistent with disease.

Breakthrough Genomics
Classification: Benign. Review status: criteria provided, single submitter. Criteria: ACMG Guidelines, 2015. Collection method: not provided. Allele origin: germline. Inheritance: Autosomal dominant inheritance. Affected: yes.